The following is an entry in ClinVar:

NM_001111.5(ADAR):c.1046C>T (p.Thr349Ile)

Gene: ADAR (adenosine deaminase RNA specific; minus strand). Cytogenetic location: 1q21.3.
Variant type: single nucleotide variant.
Coding change: c.1046C>T on transcript NM_001111.5 (MANE Select); coding-DNA position 1046, C replaced by T.
Protein change: p.Thr349Ile; replaces threonine 349 with isoleucine.
Molecular consequence: missense variant.
Genome position (GRCh38, 1-based): chr1:154,601,596, G>A on the plus strand (C>T on the coding strand, the complement: ADAR is on the minus strand). VCF-style: chr1-154601596-G-A. GRCh37 (hg19) VCF-style: chr1-154574072-G-A.
Other names: c.1073C>T, p.Thr358Ile (NM_001365045.1); c.161C>T, p.Thr54Ile (NM_001365046.1, NM_001365047.1, NM_001365048.1 and 3 more transcripts); c.1046C>T, p.Thr349Ile (NM_015840.4, NM_015841.4); short protein forms T349I, T54I, T358I.
Identifiers: ClinVar variation 2939516 (VCV002939516.3), dbSNP rs2526654504, ClinGen allele CA342598801.
Genomic context (GRCh38, chr1:154,601,596, plus strand): 5'-GTATTTCTCTTGATTTGCATCCTCTCTCGCTTCTTGTCTGTCAAATGCCATATGGGAGGG[G>A]TTGTCCCTTGTCTATAGACATCCCCCTGCCTTTCCATGTCAATTAGCACAGCATTTATAT-3'
Protein context (NP_001102.3, residues 339-359): RQGDVYRQGT[Thr349Ile]PPIWHLTDKK

ClinVar aggregate classification (germline): Uncertain significance (1 of 4 stars; one submission).

Conditions:
Symmetrical dyschromatosis of extremities (DSH). Also called: RETICULATE ACROPIGMENTATION OF DOHI; SYMMETRIC DYSCHROMATOSIS OF THE EXTREMITIES; DYSCHROMATOSIS SYMMETRICA HEREDITARIA 1; Dyschromatosis symmetrica hereditaria. Identifiers: Orphanet 41, MedGen C0406775, MONDO:0007483, OMIM 127400.
Aicardi-Goutieres syndrome 6 (AGS6). Identifiers: Orphanet 51, MedGen C3539013, MONDO:0014007, OMIM 615010.

gnomAD v4.1: 2 of 1,612,524 alleles (0.00012%); highest among the groups gnomAD compares: Non-Finnish European, 0.00017%; no homozygotes.

Submission:

Labcorp Genetics (formerly Invitae), Labcorp
Classification: Uncertain significance for Aicardi-Goutieres syndrome 6; Symmetrical dyschromatosis of extremities. Last evaluated: 2023-10-09. Review status: criteria provided, single submitter. Criteria: Invitae Variant Classification Sherloc (09022015). Collection method: clinical testing. Allele origin: germline.
Comment: This sequence change replaces threonine, which is neutral and polar, with isoleucine, which is neutral and non-polar, at codon 349 of the ADAR protein (p.Thr349Ile). This variant is not present in population databases (gnomAD no frequency). This variant has not been reported in the literature in individuals affected with ADAR-related conditions. Advanced modeling of protein sequence and biophysical properties (such as structural, functional, and spatial information, amino acid conservation, physicochemical variation, residue mobility, and thermodynamic stability) performed at Invitae indicates that this missense variant is not expected to disrupt ADAR protein function. In summary, the available evidence is currently insufficient to determine the role of this variant in disease. Therefore, it has been classified as a Variant of Uncertain Significance.